The following is an entry in ClinVar:

NM_206937.2(LIG4):c.833G>A (p.Arg278His)

Gene: LIG4 (DNA ligase 4; minus strand). Cytogenetic location: 13q33.3.
Variant type: single nucleotide variant.
Coding change: c.833G>A on transcript NM_206937.2 (MANE Select); coding-DNA position 833, G replaced by A.
Protein change: p.Arg278His; replaces arginine 278 with histidine.
Molecular consequence: missense variant.
Genome position (GRCh38, 1-based): chr13:108,210,436, C>T on the plus strand (G>A on the coding strand, the complement: LIG4 is on the minus strand). VCF-style: chr13-108210436-C-T. GRCh37 (hg19) VCF-style: chr13-108862784-C-T.
Other names: c.833G>A, p.Arg278His (NM_001098268.2, NM_001352598.2, NM_001352599.2 and 6 more transcripts); c.632G>A, p.Arg211His (NM_001330595.2); c.869G>A, p.Arg290His (NM_001352604.2); short protein forms R278H, R211H, R290H.
Identifiers: ClinVar variation 7675 (VCV000007675.48), dbSNP rs104894421, ClinGen allele CA118981.
Genomic context (GRCh38, chr13:108,210,436, plus strand): 5'-TAGTTATATCCATTTCGAGAGAAGTATTTATATACATCTCCATCTTTGTGCATTTGCATA[C>T]GTTCACCATCTAGCTTGGTTTCTATGTAGAAACTCTGATGTTTCATATCCTTCTCAATGT-3'
Protein context (NP_996820.1, residues 268-288): FYIETKLDGE[Arg278His]MQMHKDGDVY

ClinVar aggregate classification (germline): Pathogenic. Review status: criteria provided, multiple submitters, no conflicts (2 of 4 stars). 6 submissions from 6 submitters: Pathogenic (5). 1 of the submissions does not count toward it. Last evaluated 2025-05-29.

Conditions:
Multiple myeloma (MM). Also called: Multiple myeloma, somatic; Plasma cell myeloma. Identifiers: Orphanet 29073, Orphanet 85443, MedGen C0026764, MeSH D009101, MONDO:0009693, OMIM 254500, HP:0006775.
DNA ligase IV deficiency. Identifiers: Orphanet 99812, MedGen C1847827, MONDO:0011686, OMIM 606593.
Severe combined immunodeficiency disease. Also called: Severe Combined Immune Deficiency; Severe combined immunodeficiency. Identifiers: Orphanet 183660, MedGen C0085110, MeSH D016511, MONDO:0015974, HP:0004430. Inheritance: X-Linked or Autosomal recessive.

Allele frequency attached by ClinVar (database versions not stated): gnomAD exomes 0.00001; TOPMed 0.00002.

Submissions (6):

Women's Health and Genetics/Laboratory Corporation of America, LabCorp
Classification: Pathogenic for Severe combined immunodeficiency disease. Last evaluated: 2025-05-29. Review status: criteria provided, single submitter. Criteria: LabCorp Variant Classification Summary - May 2015. Collection method: clinical testing. Allele origin: germline.
Comment: Variant summary: LIG4 c.833G>A (p.Arg278His) results in a non-conservative amino acid change in the encoded protein sequence. Algorithms developed to predict the effect of missense changes on protein structure and function all suggest that this variant is likely to be disruptive. The variant allele was found at a frequency of 1.2e-05 in 250408 control chromosomes. c.833G>A has been observed in individual(s) affected with Severe Combined Immunodeficiency (example: Castro_2022). These data indicate that the variant is likely to be associated with disease. A different variant affecting the same codon has been classified as pathogenic by our lab (c.833G>T, p.Arg278Leu), supporting the critical relevance of codon 278 to LIG4 protein function. The following publication has been ascertained in the context of this evaluation (PMID: 35592332). ClinVar contains an entry for this variant (Variation ID: 7675). Based on the evidence outlined above, the variant was classified as pathogenic.

Labcorp Genetics (formerly Invitae), Labcorp
Classification: Pathogenic for DNA ligase IV deficiency. Last evaluated: 2024-12-17. Review status: criteria provided, single submitter. Criteria: Invitae Variant Classification Sherloc (09022015). Collection method: clinical testing. Allele origin: germline.
Comment: This sequence change replaces arginine, which is basic and polar, with histidine, which is basic and polar, at codon 278 of the LIG4 protein (p.Arg278His). This variant is present in population databases (rs104894421, gnomAD 0.005%). This missense change has been observed in individual(s) with clinical features of LIG4 syndrome (PMID: 11779494, 15333585, 27893162, 30719430). In at least one individual the data is consistent with being in trans (on the opposite chromosome) from a pathogenic variant. ClinVar contains an entry for this variant (Variation ID: 7675). Invitae Evidence Modeling of protein sequence and biophysical properties (such as structural, functional, and spatial information, amino acid conservation, physicochemical variation, residue mobility, and thermodynamic stability) indicates that this missense variant is expected to disrupt LIG4 protein function with a positive predictive value of 95%. Experimental studies have shown that this missense change affects LIG4 function (PMID: 11779494, 15333585, 26608917). This variant disrupts the p.Arg278 amino acid residue in LIG4. Other variant(s) that disrupt this residue have been determined to be pathogenic (PMID: 26762768). This suggests that this residue is clinically significant, and that variants that disrupt this residue are likely to be disease-causing. For these reasons, this variant has been classified as Pathogenic.

Institute of Human Genetics Munich, TUM University Hospital
Classification: Pathogenic for DNA ligase IV deficiency. Last evaluated: 2020-11-13. Review status: criteria provided, single submitter. Criteria: Classification criteria August 2017. Collection method: clinical testing. Allele origin: germline. Inheritance: Autosomal recessive inheritance. Affected: yes. Observed: 1 variant allele.

CeGaT Center for Human Genetics Tuebingen
Classification: Pathogenic. Last evaluated: 2019-01-01. Review status: criteria provided, single submitter. Criteria: CeGaT Center For Human Genetics Tuebingen Variant Classification Criteria Version 2. Collection method: clinical testing. Allele origin: germline. Affected: yes. Observed: 1 variant allele.

Juno Genomics, Hangzhou Juno Genomics, Inc
Classification: Pathogenic for Multiple myeloma; DNA ligase IV deficiency. Review status: criteria provided, single submitter. Criteria: ACMG Guidelines, 2015. Collection method: clinical testing. Allele origin: germline.
Comment: Absent from controls (or at extremely low frequency if recessive) in Genome Aggregation Database.;Well-established in vitro or in vivo functional studies supportive of a damaging effect on the gene or gene product.;For recessive disorders, detected in trans with a pathogenic variant.;Patient's phenotype or family history is highly specific for a disease with a single genetic etiology.

OMIM
Classification: Pathogenic for LIG4 SYNDROME. Last evaluated: 2001-12-01. Review status: no assertion criteria provided. Collection method: literature only. Allele origin: germline. Not counted in ClinVar's aggregate classification.

Literature cited by the submitters: PubMed 35592332 (cited by Women's Health and Genetics/Laboratory Corporation of America, LabCorp); PubMed 11779494 (cited by Labcorp Genetics (formerly Invitae), Labcorp and OMIM); PubMed 15333585 (cited by Labcorp Genetics (formerly Invitae), Labcorp); PubMed 27893162 (cited by Labcorp Genetics (formerly Invitae), Labcorp); PubMed 30719430 (cited by Labcorp Genetics (formerly Invitae), Labcorp); PubMed 26608917 (cited by Labcorp Genetics (formerly Invitae), Labcorp); PubMed 26762768 (cited by Labcorp Genetics (formerly Invitae), Labcorp); PubMed 10395545 (cited by OMIM); PubMed 11349135 (cited by OMIM).